The following is an entry in ClinVar:

ClinVar aggregate classification (germline): Uncertain significance (1 of 4 stars; one submission).

Conditions:
Charcot-Marie-Tooth disease axonal type 2C (HMSN2C). Also called: CHARCOT-MARIE-TOOTH DISEASE, AXONAL, AUTOSOMAL DOMINANT, TYPE 2C; Charcot-Marie-Tooth Neuropathy Type 2C; Charcot-Marie-Tooth Disease Type 2, TRPV4-Related (CMT2C). Identifiers: Orphanet 99937, MedGen C1853710, MONDO:0011633, OMIM 606071.

Submission:

Labcorp Genetics (formerly Invitae), Labcorp
Classification: Uncertain significance for Charcot-Marie-Tooth disease axonal type 2C. Last evaluated: 2025-03-10. Review status: criteria provided, single submitter. Criteria: Invitae Variant Classification Sherloc (09022015). Collection method: clinical testing. Allele origin: germline.
Comment: This sequence change replaces glycine, which is neutral and non-polar, with valine, which is neutral and non-polar, at codon 595 of the TRPV4 protein (p.Gly595Val). This variant is not present in population databases (gnomAD no frequency). This variant has not been reported in the literature in individuals affected with TRPV4-related conditions. ClinVar contains an entry for this variant (Variation ID: 1392679). Invitae Evidence Modeling of protein sequence and biophysical properties (such as structural, functional, and spatial information, amino acid conservation, physicochemical variation, residue mobility, and thermodynamic stability) has been performed for this missense variant. However, the output from this modeling did not meet the statistical confidence thresholds required to predict the impact of this variant on TRPV4 protein function. In summary, the available evidence is currently insufficient to determine the role of this variant in disease. Therefore, it has been classified as a Variant of Uncertain Significance.

NM_021625.5(TRPV4):c.1784G>T (p.Gly595Val)

Gene: TRPV4 (transient receptor potential cation channel subfamily V member 4; minus strand). Cytogenetic location: 12q24.11.
Variant type: single nucleotide variant.
Coding change: c.1784G>T on transcript NM_021625.5 (MANE Select); coding-DNA position 1784, G replaced by T.
Protein change: p.Gly595Val; replaces glycine 595 with valine.
Molecular consequence: missense variant.
Genome position (GRCh38, 1-based): chr12:109,792,692, C>A on the plus strand (G>T on the coding strand, the complement: TRPV4 is on the minus strand). VCF-style: chr12-109792692-C-A. GRCh37 (hg19) VCF-style: chr12-110230497-C-A.
Other names: c.1643G>T, p.Gly548Val (NM_001177428.2); c.1682G>T, p.Gly561Val (NM_001177431.2); c.1463G>T, p.Gly488Val (NM_001177433.2); c.1604G>T, p.Gly535Val (NM_147204.3); short protein forms G488V, G535V, G561V, G595V, G548V.
Identifiers: ClinVar variation 1392679 (VCV001392679.6), dbSNP rs2136468285, ClinGen allele CA386652168.